The following is an entry in ClinVar:

NM_015102.5(NPHP4):c.1949T>C (p.Phe650Ser)

Gene: NPHP4 (nephrocystin 4; minus strand). Cytogenetic location: 1p36.31.
Variant type: single nucleotide variant.
Coding change: c.1949T>C on transcript NM_015102.5 (MANE Select); coding-DNA position 1949, T replaced by C.
Protein change: p.Phe650Ser; replaces phenylalanine 650 with serine.
Molecular consequence: missense variant. On other transcripts: non-coding transcript variant (1).
Genome position (GRCh38, 1-based): chr1:5,905,298, A>G on the plus strand (T>C on the coding strand, the complement: NPHP4 is on the minus strand). VCF-style: chr1-5905298-A-G. GRCh37 (hg19) VCF-style: chr1-5965358-A-G.
Other names: c.410T>C, p.Phe137Ser (NM_001291593.2); c.413T>C, p.Phe138Ser (NM_001291594.2); short protein forms F137S, F138S, F650S.
Identifiers: ClinVar variation 4759467 (VCV004759467.1).

ClinVar aggregate classification (germline): Uncertain significance (1 of 4 stars; one submission).

Conditions:
Nephronophthisis 4 (NPHP4). Also called: NEPHRONOPHTHISIS 4, JUVENILE. Identifiers: Orphanet 655, MedGen C1847013, MONDO:0011752, OMIM 606966.

Submission:

Illumina Laboratory Services, Illumina
Classification: Uncertain significance for Nephronophthisis 4. Last evaluated: 2024-01-23. Review status: criteria provided, single submitter. Criteria: ISL SNV Classification Criteria 03 February 2026. Collection method: clinical testing. Allele origin: unknown.
Comment: The NPHP4 c.1949T>C p.(Phe650Ser) missense variant has not, to our knowledge, been reported in the peer-reviewed literature. This variant is not observed in version 2.1.1 or version 4.0.0 of the Genome Aggregation Database. Multiple lines of computational evidence suggest the variant may impact the gene or gene product. Based on the available evidence, the c.1949T>C p.(Phe650Ser) variant is classified as a variant of uncertain significance for nephronophthisis type 4.